The following is an entry in ClinVar:

ClinVar aggregate classification (germline): Uncertain significance (1 of 4 stars; one submission).

Submission:

Labcorp Genetics (formerly Invitae), Labcorp
Classification: Uncertain significance. Last evaluated: 2024-01-29. Review status: criteria provided, single submitter. Criteria: Invitae Variant Classification Sherloc (09022015). Collection method: clinical testing. Allele origin: germline.
Comment: This sequence change replaces isoleucine, which is neutral and non-polar, with threonine, which is neutral and polar, at codon 493 of the POP1 protein (p.Ile493Thr). This variant is not present in population databases (gnomAD no frequency). This variant has not been reported in the literature in individuals affected with POP1-related conditions. ClinVar contains an entry for this variant (Variation ID: 1954929). An algorithm developed to predict the effect of missense changes on protein structure and function (PolyPhen-2) suggests that this variant¬†is likely to be tolerated. In summary, the available evidence is currently insufficient to determine the role of this variant in disease. Therefore, it has been classified as a Variant of Uncertain Significance.

NM_001145860.2(POP1):c.1478T>C (p.Ile493Thr)

Gene: POP1 (POP1 homolog, ribonuclease P/MRP subunit; plus strand). Cytogenetic location: 8q22.2.
Variant type: single nucleotide variant.
Coding change: c.1478T>C on transcript NM_001145860.2 (MANE Select); coding-DNA position 1478, T replaced by C.
Protein change: p.Ile493Thr; replaces isoleucine 493 with threonine.
Molecular consequence: missense variant.
Genome position (GRCh38, 1-based): chr8:98,140,772, T>C. VCF-style: chr8-98140772-T-C. GRCh37 (hg19) VCF-style: chr8-99153000-T-C.
Other names: c.1478T>C, p.Ile493Thr (NM_001145861.2, NM_015029.3); short protein forms I493T.
Identifiers: ClinVar variation 1954929 (VCV001954929.4), dbSNP rs2488064761, ClinGen allele CA371794201.